The following is an entry in ClinVar:

NM_000426.4(LAMA2):c.3305G>T (p.Arg1102Leu)

Gene: LAMA2 (laminin subunit alpha 2; plus strand). Cytogenetic location: 6q22.33.
Variant type: single nucleotide variant.
Coding change: c.3305G>T on transcript NM_000426.4 (MANE Select); coding-DNA position 3305, G replaced by T.
Protein change: p.Arg1102Leu; replaces arginine 1102 with leucine.
Molecular consequence: missense variant.
Genome position (GRCh38, 1-based): chr6:129,312,991, G>T. VCF-style: chr6-129312991-G-T. GRCh37 (hg19) VCF-style: chr6-129634136-G-T.
Other names: c.3305G>T, p.Arg1102Leu (NM_001079823.2); c.3305G>T (NM_000426.3); short protein forms R1102L.
Identifiers: ClinVar variation 1406956 (VCV001406956.7), dbSNP rs781580213, ClinGen allele CA365611919.

ClinVar aggregate classification (germline): Uncertain significance. Review status: criteria provided, multiple submitters, no conflicts (2 of 4 stars). 2 submissions from 2 submitters: Uncertain significance (2). Last evaluated 2022-06-13.

Conditions:
LAMA2-related muscular dystrophy (LAMA2-RD). Also called: Laminin alpha 2-related dystrophy. Identifiers: MedGen C5679788, MONDO:0100228.

gnomAD v4.1: 2 of 1,614,072 alleles (0.00012%); highest among the groups gnomAD compares: South Asian, 0.0011%; no homozygotes.

Submissions (2):

Revvity Omics, Revvity
Classification: Uncertain significance. Last evaluated: 2022-06-13. Review status: criteria provided, single submitter. Criteria: ACMG Guidelines, 2015. Collection method: clinical testing. Allele origin: germline.

Labcorp Genetics (formerly Invitae), Labcorp
Classification: Uncertain significance for LAMA2-related muscular dystrophy. Last evaluated: 2021-09-24. Review status: criteria provided, single submitter. Criteria: Invitae Variant Classification Sherloc (09022015). Collection method: clinical testing. Allele origin: germline.
Comment: This sequence change replaces arginine with leucine at codon 1102 of the LAMA2 protein (p.Arg1102Leu). The arginine residue is weakly conserved and there is a moderate physicochemical difference between arginine and leucine. This variant is not present in population databases (ExAC no frequency). This variant has not been reported in the literature in individuals with LAMA2-related conditions. Algorithms developed to predict the effect of missense changes on protein structure and function output the following: SIFT: "Tolerated"; PolyPhen-2: "Benign"; Align-GVGD: "Class C0". The leucine amino acid residue is found in multiple mammalian species, suggesting that this missense change does not adversely affect protein function. These predictions have not been confirmed by published functional studies and their clinical significance is uncertain. In summary, the available evidence is currently insufficient to determine the role of this variant in disease. Therefore, it has been classified as a Variant of Uncertain Significance.